The following is an entry in ClinVar:

ClinVar aggregate classification (germline): Pathogenic (1 of 4 stars; one submission).

Conditions:
Familial thoracic aortic aneurysm and aortic dissection (TAAD). Also called: Thoracic aortic aneurysms and dissections. Identifiers: Orphanet 91387, MedGen C4707243, MONDO:0019625.
Marfan syndrome (MFS). Also called: MARFAN SYNDROME, TYPE I; Marfan syndrome type 1; Marfan's syndrome; Marfan syndrome, classic; FBN1-Related Marfan Syndrome. Identifiers: Orphanet 284963, Orphanet 558, MedGen C0024796, MONDO:0007947, OMIM 154700.

Submission:

Labcorp Genetics (formerly Invitae), Labcorp
Classification: Pathogenic for Marfan syndrome; Familial thoracic aortic aneurysm and aortic dissection. Last evaluated: 2022-03-14. Review status: criteria provided, single submitter. Criteria: Invitae Variant Classification Sherloc (09022015). Collection method: clinical testing. Allele origin: germline.
Comment: This sequence change replaces cysteine, which is neutral and slightly polar, with serine, which is neutral and polar, at codon 2053 of the FBN1 protein (p.Cys2053Ser). This variant is not present in population databases (gnomAD no frequency). For these reasons, this variant has been classified as Pathogenic. This variant disrupts the p.Cys2053 amino acid residue in FBN1. Other variant(s) that disrupt this residue have been observed in individuals with FBN1-related conditions (PMID: 10486319, 25652356), which suggests that this may be a clinically significant amino acid residue. This variant affects a cysteine residue in the EGF-like, TGFBP or hybrid motif domains of FBN1. Cysteine residues are believed to be involved in intramolecular disulfide bridges and have been shown to be important for FBN1 protein structure (PMID: 16905551, 19349279). In addition, missense substitutions affecting cysteine residues within these domains are significantly overrepresented among patients with Marfan syndrome (PMID: 16571647, 17701892). Advanced modeling of protein sequence and biophysical properties (such as structural, functional, and spatial information, amino acid conservation, physicochemical variation, residue mobility, and thermodynamic stability) performed at Invitae indicates that this missense variant is expected to disrupt FBN1 protein function. This missense change has been observed in individual(s) with Marfan syndrome (PMID: 24199744).

Literature cited by the submitters: PubMed 10486319; PubMed 25652356; PubMed 16905551; PubMed 19349279; PubMed 16571647; PubMed 17701892; PubMed 24199744.

NM_000138.5(FBN1):c.6157T>A (p.Cys2053Ser)

Gene: FBN1 (fibrillin 1; minus strand). Cytogenetic location: 15q21.1.
Variant type: single nucleotide variant.
Coding change: c.6157T>A on transcript NM_000138.5 (MANE Select); coding-DNA position 6157, T replaced by A.
Protein change: p.Cys2053Ser; replaces cysteine 2053 with serine.
Molecular consequence: missense variant.
Genome position (GRCh38, 1-based): chr15:48,441,727, A>T on the plus strand (T>A on the coding strand, the complement: FBN1 is on the minus strand). VCF-style: chr15-48441727-A-T. GRCh37 (hg19) VCF-style: chr15-48733924-A-T.
Other names: c.6157T>A, p.Cys2053Ser (NM_001406716.1); short protein forms C2053S.
Identifiers: ClinVar variation 2111584 (VCV002111584.4), dbSNP rs2505445884, ClinGen allele CA392337917.